The following is an entry in ClinVar:

ClinVar aggregate classification (germline): Likely benign (1 of 4 stars; one submission).

Allele frequency attached by ClinVar (database versions not stated): TOPMed 0.00003; gnomAD exomes 0.00009; gnomAD 0.00015.
gnomAD v4.1: 108 of 1,149,538 alleles (0.0094%); highest among the groups gnomAD compares: Non-Finnish European, 0.0028%; no homozygotes.

Submission:

CeGaT Center for Human Genetics Tuebingen
Classification: Likely benign. Last evaluated: 2022-05-01. Review status: criteria provided, single submitter. Criteria: CeGaT Center For Human Genetics Tuebingen Variant Classification Criteria Version 2. Collection method: clinical testing. Allele origin: germline. Affected: yes. Observed: 1 variant allele.
Comment: CCDC120: BP4, BP7

NM_001163321.4(CCDC120):c.1851G>A (p.Val617=)

Gene: CCDC120 (coiled-coil domain containing 120; plus strand). Cytogenetic location: Xp11.23.
Variant type: single nucleotide variant.
Coding change: c.1851G>A on transcript NM_001163321.4 (MANE Select); coding-DNA position 1851, G replaced by A.
Protein change: p.Val617=; no amino-acid change (valine 617 retained).
Molecular consequence: synonymous variant.
Genome position (GRCh38, 1-based): chrX:49,067,965, G>A. VCF-style: chrX-49067965-G-A. GRCh37 (hg19) VCF-style: chrX-48925501-G-A.
Other names: c.1710G>A, p.Val570= (NM_001163322.2, NM_001163323.3); c.1746G>A, p.Val582= (NM_001271835.1, NM_001271836.2, NM_033626.3).
Identifiers: ClinVar variation 2660508 (VCV002660508.24), dbSNP rs781803414, ClinGen allele CA10408270.